The following is an entry in ClinVar:

NM_001367624.2(ZNF469):c.9915dup (p.Arg3306fs)

Gene: ZNF469 (zinc finger protein 469; plus strand). Cytogenetic location: 16q24.2.
Variant type: Duplication.
Coding change: c.9915dup on transcript NM_001367624.2 (MANE Select); coding-DNA position 9915, one base duplicated (C; older notation c.9915dupC).
Protein change: p.Arg3306fs; shifts the reading frame from arginine 3306.
Molecular consequence: frameshift variant.
Genome position (GRCh38, 1-based): chr16:88,437,385, C duplicated; the last of 7 consecutive C bases (chr16:88,437,379-88,437,385); duplicating any one gives the same sequence. VCF-style (leftmost placement, unchanged base first): chr16-88437378-G-GC. GRCh37 (hg19) VCF-style: chr16-88503786-G-GC.
Other names: short protein forms R3306fs.
Identifiers: ClinVar variation 2884064 (VCV002884064.3), dbSNP rs1228095903, ClinGen allele CA624447628.

ClinVar aggregate classification (germline): Pathogenic (1 of 4 stars; one submission).

Submission:

Labcorp Genetics (formerly Invitae), Labcorp
Classification: Pathogenic. Last evaluated: 2025-03-20. Review status: criteria provided, single submitter. Criteria: Invitae Variant Classification Sherloc (09022015). Collection method: clinical testing. Allele origin: germline.
Comment: This sequence change creates a premature translational stop signal (p.Arg3278Glnfs*197) in the ZNF469 gene. While this is not anticipated to result in nonsense mediated decay, it is expected to disrupt the last 648 amino acid(s) of the ZNF469 protein. The frequency data for this variant in the population databases is considered unreliable, as metrics indicate poor data quality at this position in the gnomAD database. This premature translational stop signal has been observed in individual(s) with brittle cornea syndrome (PMID: 30865045). It has also been observed to segregate with disease in related individuals. ClinVar contains an entry for this variant (Variation ID: 2884064). This variant disrupts a region of the ZNF469 protein in which other variant(s) (p.Pro3556Glnfs*136) have been determined to be pathogenic (PMID: 32671420). This suggests that this is a clinically significant region of the protein, and that variants that disrupt it are likely to be disease-causing. For these reasons, this variant has been classified as Pathogenic.

Literature cited by the submitters: PubMed 30865045; PubMed 32671420.